The following is an entry in ClinVar:

NM_005546.4(ITK):c.85C>T (p.Arg29Cys)

Gene: ITK (IL2 inducible T cell kinase; plus strand). Cytogenetic location: 5q33.3.
Variant type: single nucleotide variant.
Coding change: c.85C>T on transcript NM_005546.4 (MANE Select); coding-DNA position 85, C replaced by T.
Protein change: p.Arg29Cys; replaces arginine 29 with cysteine.
Molecular consequence: missense variant.
Genome position (GRCh38, 1-based): chr5:157,181,062, C>T. VCF-style: chr5-157181062-C-T. GRCh37 (hg19) VCF-style: chr5-156608073-C-T.
Other names: short protein forms R29C.
Identifiers: ClinVar variation 2417920 (VCV002417920.6), dbSNP rs201513154, ClinGen allele CA130151086.

ClinVar aggregate classification (germline): Uncertain significance (1 of 4 stars; one submission).

Conditions:
Lymphoproliferative syndrome 1 (LPFS1). Identifiers: Orphanet 238505, Orphanet 538963, MedGen C3552634, MONDO:0013081, OMIM 613011.

Allele frequency attached by ClinVar (database versions not stated): gnomAD exomes 0.00001; TOPMed 0.00002; gnomAD 0.00003; 1000 Genomes Project 30x 0.00016; 1000 Genomes Project 0.00020.

Submission:

Labcorp Genetics (formerly Invitae), Labcorp
Classification: Uncertain significance for Lymphoproliferative syndrome 1. Last evaluated: 2025-07-27. Review status: criteria provided, single submitter. Criteria: Invitae Variant Classification Sherloc (09022015). Collection method: clinical testing. Allele origin: germline.
Comment: This sequence change replaces arginine, which is basic and polar, with cysteine, which is neutral and slightly polar, at codon 29 of the ITK protein (p.Arg29Cys). This variant is not present in population databases (gnomAD no frequency). This missense change has been observed in individual(s) with primary hemophagocytic lymphohistiocytosis (PMID: 31388699). ClinVar contains an entry for this variant (Variation ID: 2417920). Invitae Evidence Modeling of protein sequence and biophysical properties (such as structural, functional, and spatial information, amino acid conservation, physicochemical variation, residue mobility, and thermodynamic stability) indicates that this missense variant is not expected to disrupt ITK protein function with a negative predictive value of 95%. Experimental studies have shown that this missense change affects ITK function (PMID: 17412921, 19535334, 19701889). In summary, the available evidence is currently insufficient to determine the role of this variant in disease. Therefore, it has been classified as a Variant of Uncertain Significance.

Literature cited by the submitters: PubMed 31388699; PubMed 17412921; PubMed 19535334; PubMed 19701889.